The following is an entry in ClinVar:

ClinVar aggregate classification (germline): Uncertain significance (1 of 4 stars; one submission).

Conditions:
Cryptosporidiosis-chronic cholangitis-liver disease syndrome. Also called: IL21R immunodeficiency; Immunodeficiency type 56. Identifiers: Orphanet 357329, MedGen C3554687, MONDO:0014082, OMIM 615207.

Submission:

Labcorp Genetics (formerly Invitae), Labcorp
Classification: Uncertain significance for Cryptosporidiosis-chronic cholangitis-liver disease syndrome. Last evaluated: 2023-03-11. Review status: criteria provided, single submitter. Criteria: Invitae Variant Classification Sherloc (09022015). Collection method: clinical testing. Allele origin: germline.
Comment: In summary, the available evidence is currently insufficient to determine the role of this variant in disease. Therefore, it has been classified as a Variant of Uncertain Significance. Advanced modeling of protein sequence and biophysical properties (such as structural, functional, and spatial information, amino acid conservation, physicochemical variation, residue mobility, and thermodynamic stability) performed at Invitae indicates that this missense variant is not expected to disrupt IL21R protein function. This variant has not been reported in the literature in individuals affected with IL21R-related conditions. This variant is not present in population databases (gnomAD no frequency). This sequence change replaces leucine, which is neutral and non-polar, with arginine, which is basic and polar, at codon 442 of the IL21R protein (p.Leu442Arg).

NM_181078.3(IL21R):c.1325T>G (p.Leu442Arg)

Genes: IL21R (interleukin 21 receptor; plus strand), IL21R-AS1 (IL21R antisense RNA 1; minus strand). Cytogenetic location: 16p12.1.
Variant type: single nucleotide variant.
Coding change: c.1325T>G on transcript NM_181078.3 (MANE Select); coding-DNA position 1325, T replaced by G.
Protein change: p.Leu442Arg; replaces leucine 442 with arginine.
Molecular consequence: missense variant. On other transcripts: non-coding transcript variant (1).
Genome position (GRCh38, 1-based): chr16:27,448,991, T>G. VCF-style: chr16-27448991-T-G. GRCh37 (hg19) VCF-style: chr16-27460312-T-G.
Other names: c.1325T>G, p.Leu442Arg (NM_021798.4); c.1391T>G, p.Leu464Arg (NM_181079.5); short protein forms L442R, L464R.
Identifiers: ClinVar variation 2777827 (VCV002777827.3), dbSNP rs2543390184, ClinGen allele CA395308355.